The following is an entry in ClinVar:

ClinVar aggregate classification (germline): Conflicting classifications of pathogenicity. Review status: criteria provided, conflicting classifications (1 of 4 stars). 3 submissions from 3 submitters: Uncertain significance (2); Likely benign (1). Last evaluated 2024-10-28.

Conditions:
RASopathy. Also called: rasopathies; Noonan spectrum disorder. Identifiers: Orphanet 536391, MedGen C5555857, MONDO:0021060.

Allele frequency attached by ClinVar (database versions not stated): gnomAD 0.00001; gnomAD exomes 0.00001; ExAC 0.00002; TOPMed 0.00002; ESP Exome Variant Server 0.00008.
gnomAD v4.1: 21 of 1,614,090 alleles (0.0013%); highest among the groups gnomAD compares: East Asian, 0.0022%; no homozygotes.

Submissions (3):

Labcorp Genetics (formerly Invitae), Labcorp
Classification: Uncertain significance for RASopathy. Last evaluated: 2024-10-28. Review status: criteria provided, single submitter. Criteria: Invitae Variant Classification Sherloc (09022015). Collection method: clinical testing. Allele origin: germline.
Comment: This sequence change replaces arginine, which is basic and polar, with tryptophan, which is neutral and slightly polar, at codon 835 of the CBL protein (p.Arg835Trp). This variant is present in population databases (rs368696716, gnomAD 0.002%). This variant has not been reported in the literature in individuals affected with CBL-related conditions. ClinVar contains an entry for this variant (Variation ID: 180824). Invitae Evidence Modeling of protein sequence and biophysical properties (such as structural, functional, and spatial information, amino acid conservation, physicochemical variation, residue mobility, and thermodynamic stability) indicates that this missense variant is not expected to disrupt CBL protein function with a negative predictive value of 95%. In summary, the available evidence is currently insufficient to determine the role of this variant in disease. Therefore, it has been classified as a Variant of Uncertain Significance.

Blueprint Genetics
Classification: Likely benign. Last evaluated: 2024-09-23. Review status: criteria provided, single submitter. Criteria: ACMG Guidelines, 2015. Collection method: clinical testing. Allele origin: germline.

GeneDx
Classification: Uncertain significance. Last evaluated: 2013-05-22. Review status: criteria provided, single submitter. Criteria: GeneDx Variant Classification (06012015). Collection method: clinical testing. Allele origin: germline. Affected: yes.
Comment: This variant is denoted p.Arg835Trp at the protein level, c.2503C>T at the cDNA level, and results in the change of an Arginine for a Tryptophan (CGG>TGG) in exon 16 of the CBL gene (NM_005188.2). The R835W missense substitution has not been published as a mutation, nor has it been reported as a benign polymorphism to our knowledge. This missense change is a non-conservative amino acid substitution with a positively charged and polar residue (Arg) being replaced by a neutral and non-polar residue (Trp). The residue at which this substitution occurs is highly conserved in the protein. However, no missense mutations have been reported in the CBL gene beyond codon Arginine 420 (Martinelli et al., 2010). The R835W variant was not observed at any significant frequency in approximately 6,400 individuals of European and African American ancestry in the NHLBI Exome Sequencing Project. Therefore, R835W is interpreted as a variant of unknown significance. The variant is found in NOONAN panel(s).

NM_005188.4(CBL):c.2503C>T (p.Arg835Trp)

Gene: CBL (Cbl proto-oncogene; plus strand). Cytogenetic location: 11q23.3.
Variant type: single nucleotide variant.
Coding change: c.2503C>T on transcript NM_005188.4 (MANE Select); coding-DNA position 2503, C replaced by T.
Protein change: p.Arg835Trp; replaces arginine 835 with tryptophan.
Molecular consequence: missense variant.
Genome position (GRCh38, 1-based): chr11:119,299,563, C>T. VCF-style: chr11-119299563-C-T. GRCh37 (hg19) VCF-style: chr11-119170273-C-T.
Other names: p.R835W:CGG>TGG; short protein forms R835W.
Identifiers: ClinVar variation 180824 (VCV000180824.8), dbSNP rs368696716, ClinGen allele CA296011.